The following is an entry in ClinVar:

NM_000059.4(BRCA2):c.4418A>T (p.Asn1473Ile)

Gene: BRCA2 (BRCA2 DNA repair associated; plus strand). Cytogenetic location: 13q13.1.
Variant type: single nucleotide variant.
Coding change: c.4418A>T on transcript NM_000059.4 (MANE Select); coding-DNA position 4418, A replaced by T.
Protein change: p.Asn1473Ile; replaces asparagine 1473 with isoleucine.
Molecular consequence: missense variant. On other transcripts: non-coding transcript variant (1), intron variant (2).
Genome position (GRCh38, 1-based): chr13:32,338,773, A>T. VCF-style: chr13-32338773-A-T. GRCh37 (hg19) VCF-style: chr13-32912910-A-T.
Other names: c.4418A>T, p.Asn1473Ile (NM_001406719.1, NM_001406720.1); c.1909+5386A>T (NM_001406721.1); c.425-5785A>T (NM_001406722.1); short protein forms N1473I.
Identifiers: ClinVar variation 2743856 (VCV002743856.3), dbSNP rs1222884804, ClinGen allele CA387781220.
Genomic context (GRCh38, chr13:32,338,773, plus strand): 5'-AACCAGAAGAATTGCATAACTTTTCCTTAAATTCTGAATTACATTCTGACATAAGAAAGA[A>T]CAAAATGGACATTCTAAGTTATGAGGAAACAGACATAGTTAAACACAAAATACTGAAAGA-3'
Protein context (NP_000050.3, residues 1463-1483): NSELHSDIRK[Asn1473Ile]KMDILSYEET

ClinVar aggregate classification (germline): Uncertain significance (1 of 4 stars; one submission).

Conditions:
Hereditary breast ovarian cancer syndrome. Also called: BRCA1- and BRCA2-Associated Hereditary Breast and Ovarian Cancer; Breast and ovarian cancer; Hereditary breast and/or ovarian cancer syndrome; Hereditary breast and ovarian cancer; Hereditary breast and ovarian cancer syndrome (HBOC); Hereditary breast and ovarian cancer syndrome. Identifiers: Orphanet 145, MedGen C0677776, MeSH D061325, MONDO:0003582. Disease mechanism: loss of function.

Submission:

Labcorp Genetics (formerly Invitae), Labcorp
Classification: Uncertain significance for Hereditary breast ovarian cancer syndrome. Last evaluated: 2023-07-16. Review status: criteria provided, single submitter. Criteria: Invitae Variant Classification Sherloc (09022015). Collection method: clinical testing. Allele origin: germline.
Comment: This sequence change replaces asparagine, which is neutral and polar, with isoleucine, which is neutral and non-polar, at codon 1473 of the BRCA2 protein (p.Asn1473Ile). This variant is not present in population databases (gnomAD no frequency). This variant has not been reported in the literature in individuals affected with BRCA2-related conditions. Advanced modeling of protein sequence and biophysical properties (such as structural, functional, and spatial information, amino acid conservation, physicochemical variation, residue mobility, and thermodynamic stability) performed at Invitae indicates that this missense variant is not expected to disrupt BRCA2 protein function. In summary, the available evidence is currently insufficient to determine the role of this variant in disease. Therefore, it has been classified as a Variant of Uncertain Significance.